The following is an entry in ClinVar:

ClinVar aggregate classification (germline): Likely benign. Review status: criteria provided, multiple submitters, no conflicts (2 of 4 stars). 2 submissions from 2 submitters: Likely benign (2). Last evaluated 2018-01-12.

Conditions:
Autosomal recessive polycystic kidney disease (ARPKD). Also called: AR polycystic kidney disease. Identifiers: Orphanet 731, Orphanet 8378, MedGen C0085548, MeSH D017044, MONDO:0009889.

Allele frequency attached by ClinVar (database versions not stated): 1000 Genomes Project 0.01218; 1000 Genomes Project 30x 0.01249; gnomAD 0.01718 and 0.01740; TOPMed 0.01732; gnomAD exomes 0.07143.

Submissions (2):

Illumina Laboratory Services, Illumina
Classification: Likely benign for Polycystic kidney disease 4. Last evaluated: 2018-01-12. Review status: criteria provided, single submitter. Criteria: ICSL Variant Classification Criteria 13 December 2019. Collection method: clinical testing. Allele origin: germline.
Comment: This variant was observed in the ICSL laboratory as part of a predisposition screen in an ostensibly healthy population. It had not been previously curated by ICSL or reported in the Human Gene Mutation Database (HGMD: prior to June 1st, 2018), and was therefore a candidate for classification through an automated scoring system. Utilizing variant allele frequency, disease prevalence and penetrance estimates, and inheritance mode, an automated score was calculated to assess if this variant is too frequent to cause the disease. Based on the score and internal cut-off values, a variant classified as likely benign is not then subjected to further curation. The score for this variant resulted in a classification of likely benign for this disease.

Breakthrough Genomics
Classification: Likely benign. Review status: criteria provided, single submitter. Criteria: ACMG Guidelines, 2015. Collection method: not provided. Allele origin: germline. Inheritance: Autosomal recessive inheritance. Affected: yes.

NM_138694.4(PKHD1):c.*1525G>A

Gene: PKHD1 (PKHD1 ciliary IPT domain containing fibrocystin/polyductin; minus strand). Cytogenetic location: 6p12.3.
Variant type: single nucleotide variant.
Coding change: c.*1525G>A on transcript NM_138694.4 (MANE Select); 1525 bases downstream of the stop codon, G replaced by A.
Molecular consequence: 3 prime UTR variant.
Genome position (GRCh38, 1-based): chr6:51,617,556, C>T on the plus strand (G>A on the coding strand, the complement: PKHD1 is on the minus strand). VCF-style: chr6-51617556-C-T. GRCh37 (hg19) VCF-style: chr6-51482354-C-T.
Identifiers: ClinVar variation 357383 (VCV000357383.6), dbSNP rs6941633, ClinGen allele CA10627173.